The following is an entry in ClinVar:

ClinVar aggregate classification (germline): Conflicting classifications of pathogenicity. Review status: criteria provided, conflicting classifications (1 of 4 stars). 17 submissions from 13 submitters: Uncertain significance (3); Benign (8); Likely benign (5). 1 of the submissions does not count toward it. Last evaluated 2026-09-01.

Conditions:
TTN-related disorder. Also called: TTN-related disorders; TTN-related condition; TTN-related disease.
Cardiovascular phenotype. Identifiers: MedGen CN230736.
Dilated cardiomyopathy 1G (CMD1G). Identifiers: Orphanet 154, MedGen C1858763, MONDO:0011400, OMIM 604145.
Autosomal recessive limb-girdle muscular dystrophy type 2J (LGMDR10). Also called: MUSCULAR DYSTROPHY, LIMB-GIRDLE, AUTOSOMAL RECESSIVE 10; Limb-girdle muscular dystrophy, type 2J. Identifiers: Orphanet 140922, MedGen C1837342, MONDO:0012127, OMIM 608807.
Early-onset myopathy with fatal cardiomyopathy (CMYO5). Also called: CONGENITAL MYOPATHY 5 WITH CARDIOMYOPATHY; Salih Myopathy. Identifiers: Orphanet 289377, MedGen C2673677, MONDO:0012714, OMIM 611705. Disease mechanism: loss of function.
Tibial muscular dystrophy (TMD). Also called: Udd Distal Myopathy – Tibial Muscular Dystrophy; Tibial muscular dystrophy, tardive; UDD MYOPATHY. Identifiers: Orphanet 609, MedGen C1838244, MONDO:0010870, OMIM 600334.
Myopathy, myofibrillar, 9, with early respiratory failure (MFM9). Also called: Myopathy, distal, with early respiratory failure, autosomal dominant; Hereditary myopathy with early respiratory failure; MYOPATHY, PROXIMAL, WITH EARLY RESPIRATORY MUSCLE INVOLVEMENT; EDSTROM MYOPATHY. Identifiers: Orphanet 178464, Orphanet 34521, MedGen C1863599, MONDO:0011362, OMIM 603689.

Allele frequency attached by ClinVar (database versions not stated): 1000 Genomes Project 0.00120; gnomAD 0.00068 and 0.00071; gnomAD exomes 0.00070 and 0.00044; ExAC 0.00078; TOPMed 0.00093; 1000 Genomes Project 30x 0.00141.
gnomAD v4.1: 780 of 1,541,100 alleles (0.051%); highest among the groups gnomAD compares: Middle Eastern, 0.3%; 4 homozygotes.

Submissions (17):

CeGaT Center for Human Genetics Tuebingen
Classification: Likely benign. Last evaluated: 2026-09-01. Review status: criteria provided, single submitter. Criteria: CeGaT Center For Human Genetics Tuebingen Variant Classification Criteria Version 2. Collection method: clinical testing. Allele origin: germline. Affected: yes. Observed: 48 variant alleles.
Comment: TTN: BP4, BP7

Labcorp Genetics (formerly Invitae), Labcorp
Classification: Benign for Dilated cardiomyopathy 1G; Autosomal recessive limb-girdle muscular dystrophy type 2J. Last evaluated: 2026-02-03. Review status: criteria provided, single submitter. Criteria: Invitae Variant Classification Sherloc (09022015). Collection method: clinical testing. Allele origin: germline.

Molecular Diagnostic Laboratory for Inherited Cardiovascular Disease, Montreal Heart Institute
Classification: Benign. Last evaluated: 2025-04-09. Review status: criteria provided, single submitter. Criteria: ACMG Guidelines, 2015. Collection method: clinical testing. Allele origin: germline. Affected: no.

Blueprint Genetics
Classification: Likely benign. Last evaluated: 2024-11-22. Review status: criteria provided, single submitter. Criteria: ACMG Guidelines, 2015. Collection method: clinical testing. Allele origin: germline.

Women's Health and Genetics/Laboratory Corporation of America, LabCorp
Classification: Benign. Last evaluated: 2020-03-10. Review status: criteria provided, single submitter. Criteria: LabCorp Variant Classification Summary - May 2015. Collection method: clinical testing. Allele origin: germline.

Illumina Laboratory Services, Illumina
Classification: Uncertain significance for Autosomal recessive limb-girdle muscular dystrophy type 2J. Last evaluated: 2018-01-12. Review status: criteria provided, single submitter. Criteria: ICSL Variant Classification Criteria 13 December 2019. Collection method: clinical testing. Allele origin: germline.

Illumina Laboratory Services, Illumina
Classification: Benign for Tibial muscular dystrophy. Last evaluated: 2018-01-12. Review status: criteria provided, single submitter. Criteria: ICSL Variant Classification Criteria 13 December 2019. Collection method: clinical testing. Allele origin: germline.
Comment: This variant was observed in the ICSL laboratory as part of a predisposition screen in an ostensibly healthy population. It had not been previously curated by ICSL or reported in the Human Gene Mutation Database (HGMD: prior to June 1st, 2018), and was therefore a candidate for classification through an automated scoring system. Utilizing variant allele frequency, disease prevalence and penetrance estimates, and inheritance mode, an automated score was calculated to assess if this variant is too frequent to cause the disease. Based on the score and internal cut-off values, a variant classified as benign is not then subjected to further curation. The score for this variant resulted in a classification of benign for this disease.

Illumina Laboratory Services, Illumina
Classification: Benign for Myopathy, myofibrillar, 9, with early respiratory failure. Last evaluated: 2018-01-12. Review status: criteria provided, single submitter. Criteria: ICSL Variant Classification Criteria 13 December 2019. Collection method: clinical testing. Allele origin: germline.
Comment: the same text as in the submission from Illumina Laboratory Services, Illumina above.

Illumina Laboratory Services, Illumina
Classification: Uncertain significance for Early-onset myopathy with fatal cardiomyopathy. Last evaluated: 2018-01-12. Review status: criteria provided, single submitter. Criteria: ICSL Variant Classification Criteria 13 December 2019. Collection method: clinical testing. Allele origin: germline.

Illumina Laboratory Services, Illumina
Classification: Uncertain significance for Dilated cardiomyopathy 1G. Last evaluated: 2018-01-12. Review status: criteria provided, single submitter. Criteria: ICSL Variant Classification Criteria 13 December 2019. Collection method: clinical testing. Allele origin: germline.

Athena Diagnostics
Classification: Benign. Last evaluated: 2017-03-15. Review status: criteria provided, single submitter. Criteria: Athena Diagnostics Criteria. Collection method: clinical testing. Allele origin: germline.

Ambry Genetics
Classification: Benign for Cardiovascular phenotype. Last evaluated: 2016-12-06. Review status: criteria provided, single submitter. Criteria: Ambry Variant Classification Scheme 2023. Collection method: clinical testing. Allele origin: germline.

Genetic Services Laboratory, University of Chicago
Classification: Likely benign. Last evaluated: 2016-09-02. Review status: criteria provided, single submitter. Criteria: ACMG Guidelines, 2015. Collection method: clinical testing. Allele origin: germline. Affected: no.

Eurofins Ntd Llc (ga)
Classification: Likely benign. Last evaluated: 2015-07-20. Review status: criteria provided, single submitter. Criteria: EGL Classification Definitions 2015. Collection method: clinical testing. Allele origin: germline. Observed: 1 variant allele, 1 heterozygote.

GeneDx
Classification: Benign. Last evaluated: 2014-01-20. Review status: criteria provided, single submitter. Criteria: GeneDx Variant Classification (06012015). Collection method: clinical testing. Allele origin: germline. Affected: yes.
Comment: This variant is considered likely benign or benign based on one or more of the following criteria: it is a conservative change, it occurs at a poorly conserved position in the protein, it is predicted to be benign by multiple in silico algorithms, and/or has population frequency not consistent with disease.

Laboratory for Molecular Medicine, Mass General Brigham Personalized Medicine
Classification: Likely benign. Last evaluated: 2012-07-24. Review status: criteria provided, single submitter. Criteria: LMM Criteria. Collection method: clinical testing. Allele origin: germline. Observed: 2 variant alleles.
Comment: Ser32958Ser in exon 309 of TTN: This variant is not expected to have clinical si gnificance because it does not alter an amino acid residue and is not located wi thin the splice consensus sequence. It has been identified in 3/569 European chr omosomes from the ClinSeq project and 1/194 Kenyan chromosomes from 1000 Genomes project (dbSNP rs55838839). Ser32958Ser in exon 309 of TTN (rs55838839; allele frequency = 3/569)

PreventionGenetics, part of Exact Sciences
Classification: Benign for TTN-related condition. Last evaluated: 2024-02-20. Review status: no assertion criteria provided. Collection method: clinical testing. Allele origin: germline. Not counted in ClinVar's aggregate classification.
Comment: This variant is classified as benign based on ACMG/AMP sequence variant interpretation guidelines (Richards et al. 2015 PMID: 25741868, with internal and published modifications).

NM_001267550.2(TTN):c.106578T>A (p.Ser35526=)

Genes: TTN (titin; minus strand), TTN-AS1 (TTN antisense RNA 1; plus strand). Cytogenetic location: 2q31.2.
Variant type: single nucleotide variant.
Coding change: c.106578T>A on transcript NM_001267550.2 (MANE Select); coding-DNA position 106578, T replaced by A.
Protein change: p.Ser35526=; no amino-acid change (serine 35526 retained).
Molecular consequence: synonymous variant.
Genome position (GRCh38, 1-based): chr2:178,529,173, A>T on the plus strand (T>A on the coding strand, the complement: TTN is on the minus strand). VCF-style: chr2-178529173-A-T. GRCh37 (hg19) VCF-style: chr2-179393900-A-T.
Other names: p.S33885S:TCT>TCA; c.101655T>A, p.Ser33885= (NM_001256850.1); c.79383T>A, p.Ser26461= (NM_003319.4); c.98874T>A, p.Ser32958= (NM_133378.4); c.79758T>A, p.Ser26586= (NM_133432.3); c.79959T>A, p.Ser26653= (NM_133437.4).
Identifiers: ClinVar variation 47708 (VCV000047708.71), dbSNP rs55838839, ClinGen allele CA284387.